The following is an entry in ClinVar:

NM_005619.5(RTN2):c.1284G>A (p.Thr428=)

Genes: OPA3-RTN2 (OPA3-RTN2 readthrough; minus strand), RTN2 (reticulon 2; minus strand). Cytogenetic location: 19q13.32.
Variant type: single nucleotide variant.
Coding change: c.1284G>A on transcript NM_005619.5 (MANE Select); coding-DNA position 1284, G replaced by A.
Protein change: p.Thr428=; no amino-acid change (threonine 428 retained).
Molecular consequence: synonymous variant.
Genome position (GRCh38, 1-based): chr19:45,488,944, C>T on the plus strand (G>A on the coding strand, the complement: RTN2 is on the minus strand). VCF-style: chr19-45488944-C-T. GRCh37 (hg19) VCF-style: chr19-45992202-C-T.
Other names: c.1065G>A, p.Thr355= (NM_206900.3); c.264G>A, p.Thr88= (NM_206901.3).
Identifiers: ClinVar variation 2650113 (VCV002650113.27), dbSNP rs150707032, ClinGen allele CA9516022.

ClinVar aggregate classification (germline): Likely benign. Review status: criteria provided, multiple submitters, no conflicts (2 of 4 stars). 2 submissions from 2 submitters: Likely benign (2). Last evaluated 2026-01-14.

Conditions:
Spastic paraplegia. Identifiers: MedGen C0037772, HP:0001258.

Allele frequency attached by ClinVar (database versions not stated): gnomAD exomes 0.00003; ExAC 0.00012; 1000 Genomes Project 0.00020; TOPMed 0.00020; gnomAD 0.00021; 1000 Genomes Project 30x 0.00031; ESP Exome Variant Server 0.00038.
gnomAD v4.1: 71 of 1,611,430 alleles (0.0044%); highest among the groups gnomAD compares: African/African-American, 0.064%; no homozygotes.

Submissions (2):

Labcorp Genetics (formerly Invitae), Labcorp
Classification: Likely benign for Spastic paraplegia. Last evaluated: 2026-01-14. Review status: criteria provided, single submitter. Criteria: Invitae Variant Classification Sherloc (09022015). Collection method: clinical testing. Allele origin: germline.

CeGaT Center for Human Genetics Tuebingen
Classification: Likely benign. Last evaluated: 2022-06-01. Review status: criteria provided, single submitter. Criteria: CeGaT Center For Human Genetics Tuebingen Variant Classification Criteria Version 2. Collection method: clinical testing. Allele origin: germline. Affected: yes. Observed: 1 variant allele.
Comment: RTN2: BP4, BP7